The following is an entry in ClinVar:

NM_001365480.1(CCDC88A):c.197A>C (p.Lys66Thr)

Gene: CCDC88A (coiled-coil and HOOK domain protein 88A; minus strand). Cytogenetic location: 2p16.1.
Variant type: single nucleotide variant.
Coding change: c.197A>C on transcript NM_001365480.1 (MANE Select); coding-DNA position 197, A replaced by C.
Protein change: p.Lys66Thr; replaces lysine 66 with threonine.
Molecular consequence: missense variant.
Genome position (GRCh38, 1-based): chr2:55,388,854, T>G on the plus strand (A>C on the coding strand, the complement: CCDC88A is on the minus strand). VCF-style: chr2-55388854-T-G. GRCh37 (hg19) VCF-style: chr2-55615990-T-G.
Other names: c.197A>C, p.Lys66Thr (NM_001135597.2, NM_001254943.2, NM_018084.5); short protein forms K66T.
Identifiers: ClinVar variation 2814963 (VCV002814963.3), dbSNP rs2545051927, ClinGen allele CA346905267.

ClinVar aggregate classification (germline): Uncertain significance (1 of 4 stars; one submission).

Submission:

Labcorp Genetics (formerly Invitae), Labcorp
Classification: Uncertain significance. Last evaluated: 2022-11-17. Review status: criteria provided, single submitter. Criteria: Invitae Variant Classification Sherloc (09022015). Collection method: clinical testing. Allele origin: germline.
Comment: In summary, the available evidence is currently insufficient to determine the role of this variant in disease. Therefore, it has been classified as a Variant of Uncertain Significance. Algorithms developed to predict the effect of missense changes on protein structure and function are either unavailable or do not agree on the potential impact of this missense change (SIFT: "Tolerated"; PolyPhen-2: "Possibly Damaging"; Align-GVGD: "Class C0"). This variant has not been reported in the literature in individuals affected with CCDC88A-related conditions. This variant is not present in population databases (gnomAD no frequency). This sequence change replaces lysine, which is basic and polar, with threonine, which is neutral and polar, at codon 66 of the CCDC88A protein (p.Lys66Thr).